The following is an entry in ClinVar:

ClinVar aggregate classification (germline): Uncertain significance (1 of 4 stars; one submission).

Conditions:
Malignant tumor of esophagus. Also called: Esophageal cancer; Esophageal cancer, somatic. Identifiers: Orphanet 99977, MedGen C0546837, MONDO:0007576, OMIM 133239.
Loeys-Dietz syndrome 2 (LDS2). Also called: AORTIC ANEURYSM, FAMILIAL THORACIC 3; MARFAN SYNDROME, TYPE II; Marfan syndrome, type 2 (formerly); TGFBR2-Related Loeys-Dietz Syndrome; Marfan Syndrome type 2; Marfan like connective tissue disorder. Identifiers: Orphanet 284973, Orphanet 558, MedGen C2674574, MONDO:0012427, OMIM 610168.
Colorectal cancer, hereditary nonpolyposis, type 6. Also called: Colon cancer, hereditary nonpolyposis, type 6; Colon cancer, hereditary nonpolyposis, type 6, somatic. Identifiers: Orphanet 144, MedGen C1860896, MONDO:0013695, OMIM 614331.

Submission:

Juno Genomics, Hangzhou Juno Genomics, Inc
Classification: Uncertain significance for Colorectal cancer, hereditary nonpolyposis, type 6; Malignant tumor of esophagus; Loeys-Dietz syndrome 2. Review status: criteria provided, single submitter. Criteria: ACMG Guidelines, 2015. Collection method: clinical testing. Allele origin: germline. Affected: yes.
Comment: Absent from controls (or at extremely low frequency if recessive) in Genome Aggregation Database, Exome Sequencing Project, 1000 Genomes Project, or Exome Aggregation Consortium.;Multiple lines of computational evidence support a deleterious effect on the gene or gene product (conservation, evolutionary, splicing impact, etc).

NM_003242.6(TGFBR2):c.748G>T (p.Val250Leu)

Gene: TGFBR2 (transforming growth factor beta receptor 2; plus strand). Cytogenetic location: 3p24.1.
Variant type: single nucleotide variant.
Coding change: c.748G>T on transcript NM_003242.6 (MANE Select); coding-DNA position 748, G replaced by T.
Protein change: p.Val250Leu; replaces valine 250 with leucine.
Molecular consequence: missense variant. On other transcripts: intron variant (1).
Genome position (GRCh38, 1-based): chr3:30,671,931, G>T. VCF-style: chr3-30671931-G-T. GRCh37 (hg19) VCF-style: chr3-30713423-G-T.
Other names: c.823G>T, p.Val275Leu (NM_001024847.3); c.931G>T, p.Val311Leu (NM_001407126.1); c.856G>T, p.Val286Leu (NM_001407127.1); c.775G>T, p.Val259Leu (NM_001407128.1); c.751G>T, p.Val251Leu (NM_001407129.1); c.748G>T, p.Val250Leu (NM_001407130.1); c.643G>T, p.Val215Leu (NM_001407132.1, NM_001407133.1, NM_001407134.1 and 2 more transcripts); c.463G>T, p.Val155Leu (NM_001407137.1); and 2 more; short protein forms V130L, V155L, V215L, V250L, V251L, V259L, V275L, V286L.
Identifiers: ClinVar variation 3383127 (VCV003383127.2).
Genomic context (GRCh38, chr3:30,671,931, plus strand): 5'-ACGTGTGCCAACAACATCAACCACAACACAGAGCTGCTGCCCATTGAGCTGGACACCCTG[G>T]TGGGGAAAGGTCGCTTTGCTGAGGTCTATAAGGCCAAGCTGAAGCAGAACACTTCAGAGC-3'
Protein context (NP_003233.4, residues 240-260): ELLPIELDTL[Val250Leu]GKGRFAEVYK